The following is an entry in ClinVar:

ClinVar aggregate classification (germline): Uncertain significance (1 of 4 stars; one submission).

Allele frequency attached by ClinVar (database versions not stated): gnomAD exomes below 0.00001 and 0.00001; TOPMed 0.00001.
gnomAD v4.1: 2 of 1,607,308 alleles (0.00012%); highest among the groups gnomAD compares: Admixed American, 0.0034%; no homozygotes.

Submission:

GeneDx
Classification: Uncertain significance. Last evaluated: 2024-04-29. Review status: criteria provided, single submitter. Criteria: GeneDx Variant Classification Process June 2021. Collection method: clinical testing. Allele origin: germline. Affected: yes.
Comment: Nonsense variant predicted to result in protein truncation as the last 4 amino acids are lost, although loss-of-function variants have not been reported downstream of this position in the protein; Has not been previously published as pathogenic or benign to our knowledge

NM_001329943.3(KIAA0586):c.*32C>A

Gene: KIAA0586 (KIAA0586; plus strand). Cytogenetic location: 14q23.1.
Variant type: single nucleotide variant.
Coding change: c.*32C>A on transcript NM_001329943.3 (MANE Select); 32 bases downstream of the stop codon, C replaced by A.
Molecular consequence: 3 prime UTR variant. On other transcripts: nonsense (2).
Genome position (GRCh38, 1-based): chr14:58,547,964, C>A. VCF-style: chr14-58547964-C-A. GRCh37 (hg19) VCF-style: chr14-59014682-C-A.
Other names: c.4923C>A, p.Cys1641Ter (NM_001244189.2); c.*32C>A (NM_001244190.2, NM_001244191.2, NM_001244192.2 and 5 more transcripts); c.4764C>A, p.Cys1588Ter (NM_001329944.2); short protein forms C1588*, C1641*.
Identifiers: ClinVar variation 1700354 (VCV001700354.3), dbSNP rs868153679, ClinGen allele CA262038156.